The following is an entry in ClinVar:

NM_001194998.2(CEP152):c.3829del (p.Ile1277fs)

Gene: CEP152 (centrosomal protein 152; minus strand). Cytogenetic location: 15q21.1.
Variant type: Deletion.
Coding change: c.3829del on transcript NM_001194998.2 (MANE Select); coding-DNA position 3829, one base deleted (A; older notation c.3829delA).
Protein change: p.Ile1277fs; shifts the reading frame from isoleucine 1277.
Molecular consequence: frameshift variant.
Genome position (GRCh38, 1-based): chr15:48,744,246, T deleted on the plus strand (A on the coding strand, the reverse complement: CEP152 is on the minus strand); the first of 8 consecutive T bases (chr15:48,744,246-48,744,253); deleting any one gives the same sequence. VCF-style (leftmost placement, unchanged base first): chr15-48744245-AT-A. GRCh37 (hg19) VCF-style: chr15-49036442-AT-A.
Other names: c.3661del, p.Ile1221fs (NM_014985.4); c.3829delA (NM_001194998.2); short protein forms I1221fs, I1277fs.
Identifiers: ClinVar variation 2784802 (VCV002784802.4), dbSNP rs748089878, ClinGen allele CA490035405.

ClinVar aggregate classification (germline): Pathogenic. Review status: criteria provided, single submitter (1 of 4 stars). 2 submissions from 2 submitters: Pathogenic (1). 1 of the submissions does not count toward it. Last evaluated 2023-04-15.

Conditions:
Seckel syndrome 5 (SCKL5). Identifiers: Orphanet 808, MedGen C3151187, MONDO:0013443, OMIM 613823.
Microcephaly 9, primary, autosomal recessive. Identifiers: Orphanet 2512, MedGen C3553886, MONDO:0013923, OMIM 614852.

Submissions (2):

Labcorp Genetics (formerly Invitae), Labcorp
Classification: Pathogenic. Last evaluated: 2023-04-15. Review status: criteria provided, single submitter. Criteria: Invitae Variant Classification Sherloc (09022015). Collection method: clinical testing. Allele origin: germline.
Comment: For these reasons, this variant has been classified as Pathogenic. This variant has not been reported in the literature in individuals affected with CEP152-related conditions. This variant is not present in population databases (gnomAD no frequency). This sequence change creates a premature translational stop signal (p.Ile1221Leufs*20) in the CEP152 gene. It is expected to result in an absent or disrupted protein product. Loss-of-function variants in CEP152 are known to be pathogenic (PMID: 21131973).

Molecular Diagnostic Laboratory, Beijing Chigene Translational Medicine Research Center
Classification: Likely pathogenic for Seckel syndrome 5; Microcephaly 9, primary, autosomal recessive. Review status: no assertion criteria provided. Collection method: clinical testing. Allele origin: paternal. Inheritance: Autosomal recessive inheritance. Affected: yes. Not counted in ClinVar's aggregate classification.
Comment: The c.3829delA (p.Ile1277Leufs*20) has been submitted to ClinVar by Labcorp Genetics (formerly Invitae)（ Look for VCV002784802.2）, but no detailed pathogenicity information or literature references were provided. This variant is absent from population databases. It is expected to result in an absent or disrupted protein product. Loss-of-function variants in CEP152 are known to be pathogenic (PMID: 21131973）, and therefore it is classified as a likely pathogenic variant.

Literature cited by the submitters: PubMed 21131973 (cited by Labcorp Genetics (formerly Invitae), Labcorp and Molecular Diagnostic Laboratory, Beijing Chigene Translational Medicine Research Center).